The following is an entry in ClinVar:

ClinVar aggregate classification (germline): Uncertain significance. Review status: criteria provided, multiple submitters, no conflicts (2 of 4 stars). 3 submissions from 3 submitters: Uncertain significance (3). Last evaluated 2026-09-08.

Conditions:
MFN2-related disorder. Also called: MFN2-related disorders; MFN2-related condition.
Charcot-Marie-Tooth disease type 2. Also called: Charcot-Marie-Tooth type 2. Identifiers: Orphanet 64746, MedGen C0270914, MONDO:0018993.

Allele frequency attached by ClinVar (database versions not stated): gnomAD exomes 0.00001 and 0.00002; ExAC 0.00002.
gnomAD v4.1: 35 of 1,614,236 alleles (0.0022%); highest among the groups gnomAD compares: Non-Finnish European, 0.003%; no homozygotes.

Submissions (3):

PreventionGenetics, part of Exact Sciences
Classification: Uncertain significance for MFN2-related condition. Last evaluated: 2026-09-08. Review status: criteria provided, single submitter. Criteria: ACMG Guidelines, 2015. Collection method: clinical testing. Allele origin: germline.
Comment: The MFN2 c.1750C>A variant is predicted to result in the amino acid substitution p.Pro584Thr. To our knowledge, this variant has not been reported in the literature. This variant is reported in 0.0029% of alleles in individuals of Latino descent in gnomAD. At this time, the clinical significance of this variant is uncertain due to the absence of conclusive functional and genetic evidence.

GeneDx
Classification: Uncertain significance. Last evaluated: 2025-01-10. Review status: criteria provided, single submitter. Criteria: GeneDx Variant Classification Process June 2021. Collection method: clinical testing. Allele origin: germline. Affected: yes.
Comment: Has not been previously published as pathogenic or benign to our knowledge; Not observed at significant frequency in large population cohorts (gnomAD); In silico analysis indicates that this missense variant does not alter protein structure/function

Labcorp Genetics (formerly Invitae), Labcorp
Classification: Uncertain significance for Charcot-Marie-Tooth disease type 2. Last evaluated: 2023-08-07. Review status: criteria provided, single submitter. Criteria: Invitae Variant Classification Sherloc (09022015). Collection method: clinical testing. Allele origin: germline.
Comment: This sequence change replaces proline, which is neutral and non-polar, with threonine, which is neutral and polar, at codon 584 of the MFN2 protein (p.Pro584Thr). This variant is present in population databases (rs773308500, gnomAD 0.003%). This variant has not been reported in the literature in individuals affected with MFN2-related conditions. ClinVar contains an entry for this variant (Variation ID: 939731). Advanced modeling of protein sequence and biophysical properties (such as structural, functional, and spatial information, amino acid conservation, physicochemical variation, residue mobility, and thermodynamic stability) performed at Invitae indicates that this missense variant is not expected to disrupt MFN2 protein function. In summary, the available evidence is currently insufficient to determine the role of this variant in disease. Therefore, it has been classified as a Variant of Uncertain Significance.

NM_014874.4(MFN2):c.1750C>A (p.Pro584Thr)

Gene: MFN2 (mitofusin 2; plus strand). Cytogenetic location: 1p36.22.
Variant type: single nucleotide variant.
Coding change: c.1750C>A on transcript NM_014874.4 (MANE Select); coding-DNA position 1750, C replaced by A.
Protein change: p.Pro584Thr; replaces proline 584 with threonine.
Molecular consequence: missense variant.
Genome position (GRCh38, 1-based): chr1:12,006,571, C>A. VCF-style: chr1-12006571-C-A. GRCh37 (hg19) VCF-style: chr1-12066628-C-A.
Other names: c.1750C>A, p.Pro584Thr (NM_001127660.2); short protein forms P584T.
Identifiers: ClinVar variation 939731 (VCV000939731.11), dbSNP rs773308500, ClinGen allele CA599220.